The following is an entry in ClinVar:

NM_014009.4(FOXP3):c.542+6T>C

Gene: FOXP3 (forkhead box P3; minus strand). Cytogenetic location: Xp11.23.
Variant type: single nucleotide variant.
Coding change: c.542+6T>C on transcript NM_014009.4 (MANE Select); 6 bases into the intron after coding-DNA position 542, T replaced by C.
Molecular consequence: intron variant.
Genome position (GRCh38, 1-based): chrX:49,256,919, A>G on the plus strand (T>C on the coding strand, the complement: FOXP3 is on the minus strand). VCF-style: chrX-49256919-A-G. GRCh37 (hg19) VCF-style: chrX-49113376-A-G.
Other names: c.437+6T>C (NM_001114377.2).
Identifiers: ClinVar variation 2835424 (VCV002835424.3), dbSNP rs781803685, ClinGen allele CA10411786.

ClinVar aggregate classification (germline): Uncertain significance (1 of 4 stars; one submission).

Conditions:
Insulin-dependent diabetes mellitus secretory diarrhea syndrome (IPEX). Also called: DIABETES MELLITUS, CONGENITAL INSULIN-DEPENDENT, WITH FATAL SECRETORY DIARRHEA; DIARRHEA, POLYENDOCRINOPATHY, FATAL INFECTION SYNDROME, X-LINKED; ENTEROPATHY, AUTOIMMUNE, WITH HEMOLYTIC ANEMIA AND POLYENDOCRINOPATHY; IMMUNODEFICIENCY, POLYENDOCRINOPATHY, AND ENTEROPATHY, X-LINKED; Immunodysregulation, polyendocrinopathy, and enteropathy, X-linked; Immunodeficiency, Polyendocrinopathy, and Enteropathy X-Linked Syndrome. Identifiers: Orphanet 37042, MedGen C0342288, MONDO:0010580, OMIM 304790. Disease mechanism: loss of function.

Allele frequency attached by ClinVar (database versions not stated): gnomAD exomes below 0.00001; ExAC 0.00001.
gnomAD v4.1: 1 of 1,211,027 alleles (0.000083%); highest among the groups gnomAD compares: Admixed American, 0.0022%; no homozygotes.

Submission:

Labcorp Genetics (formerly Invitae), Labcorp
Classification: Uncertain significance for Insulin-dependent diabetes mellitus secretory diarrhea syndrome. Last evaluated: 2024-08-05. Review status: criteria provided, single submitter. Criteria: Invitae Variant Classification Sherloc (09022015). Collection method: clinical testing. Allele origin: germline.
Comment: This sequence change falls in intron 5 of the FOXP3 gene. It does not directly change the encoded amino acid sequence of the FOXP3 protein. It affects a nucleotide within the consensus splice site. This variant is present in population databases (rs781803685, gnomAD 0.004%). This variant has not been reported in the literature in individuals affected with FOXP3-related conditions. Variants that disrupt the consensus splice site are a relatively common cause of aberrant splicing (PMID: 17576681, 9536098). Algorithms developed to predict the effect of sequence changes on RNA splicing suggest that this variant may disrupt the consensus splice site. In summary, the available evidence is currently insufficient to determine the role of this variant in disease. Therefore, it has been classified as a Variant of Uncertain Significance.

Literature cited by the submitters: PubMed 17576681; PubMed 9536098.